The following is an entry in ClinVar:

ClinVar aggregate classification (germline): Uncertain significance. Review status: criteria provided, multiple submitters, no conflicts (2 of 4 stars). 2 submissions from 2 submitters: Uncertain significance (2). Last evaluated 2025-01-20.

Conditions:
Inborn genetic diseases. Identifiers: MedGen C0950123, MeSH D030342.

gnomAD v4.1: 26 of 1,614,070 alleles (0.0016%); highest among the groups gnomAD compares: Non-Finnish European, 0.0019%; no homozygotes.

Submissions (2):

Labcorp Genetics (formerly Invitae), Labcorp
Classification: Uncertain significance. Last evaluated: 2025-01-20. Review status: criteria provided, single submitter. Criteria: Invitae Variant Classification Sherloc (09022015). Collection method: clinical testing. Allele origin: germline.
Comment: This sequence change replaces glutamine, which is neutral and polar, with arginine, which is basic and polar, at codon 1169 of the ABCA4 protein (p.Gln1169Arg). This variant is present in population databases (rs776916571, gnomAD 0.004%). This variant has not been reported in the literature in individuals affected with ABCA4-related conditions. Invitae Evidence Modeling of protein sequence and biophysical properties (such as structural, functional, and spatial information, amino acid conservation, physicochemical variation, residue mobility, and thermodynamic stability) indicates that this missense variant is not expected to disrupt ABCA4 protein function with a negative predictive value of 95%. In summary, the available evidence is currently insufficient to determine the role of this variant in disease. Therefore, it has been classified as a Variant of Uncertain Significance.

Ambry Genetics
Classification: Uncertain significance for Inborn genetic diseases. Last evaluated: 2024-12-09. Review status: criteria provided, single submitter. Criteria: Ambry Variant Classification Scheme 2023. Collection method: clinical testing. Allele origin: germline.

NM_000350.3(ABCA4):c.3506A>G (p.Gln1169Arg)

Gene: ABCA4 (ATP binding cassette subfamily A member 4; minus strand). Cytogenetic location: 1p22.1.
Variant type: single nucleotide variant.
Coding change: c.3506A>G on transcript NM_000350.3 (MANE Select); coding-DNA position 3506, A replaced by G.
Protein change: p.Gln1169Arg; replaces glutamine 1169 with arginine.
Molecular consequence: missense variant.
Genome position (GRCh38, 1-based): chr1:94,041,225, T>C on the plus strand (A>G on the coding strand, the complement: ABCA4 is on the minus strand). VCF-style: chr1-94041225-T-C. GRCh37 (hg19) VCF-style: chr1-94506781-T-C.
Other names: c.3284A>G, p.Gln1095Arg (NM_001425324.1); short protein forms Q1095R, Q1169R.
Identifiers: ClinVar variation 3516739 (VCV003516739.3).